The following is an entry in ClinVar:

ClinVar aggregate classification (germline): Uncertain significance (1 of 4 stars; one submission).

Conditions:
Polycystic kidney disease 6 with or without polycystic liver disease. Also called: Autosomal Dominant Polycystic Kidney Disease-DNAJB11. Identifiers: MedGen C4748044, MONDO:0054842, OMIM 618061.

Submission:

MVZ Medizinische Genetik Mainz
Classification: Uncertain significance for Polycystic kidney disease 6 with or without polycystic liver disease. Last evaluated: 2025-05-07. Review status: criteria provided, single submitter. Criteria: UK Practice Guidelines For Variant Classification V4 01 2020. Collection method: clinical testing. Allele origin: germline. Inheritance: Autosomal dominant inheritance. Affected: yes. Observed: 1 variant allele.
Comment: ACMG Criteria: PM2_SUP,PP3

NM_016306.6(DNAJB11):c.776A>G (p.Tyr259Cys)

Gene: DNAJB11 (DnaJ heat shock protein family (Hsp40) member B11; plus strand). Cytogenetic location: 3q27.3.
Variant type: single nucleotide variant.
Coding change: c.776A>G on transcript NM_016306.6 (MANE Select); coding-DNA position 776, A replaced by G.
Protein change: p.Tyr259Cys; replaces tyrosine 259 with cysteine.
Molecular consequence: missense variant. On other transcripts: non-coding transcript variant (5).
Genome position (GRCh38, 1-based): chr3:186,583,900, A>G. VCF-style: chr3-186583900-A-G. GRCh37 (hg19) VCF-style: chr3-186301689-A-G.
Other names: c.500A>G, p.Tyr167Cys (NM_001378451.1); short protein forms Y167C, Y259C.
Identifiers: ClinVar variation 3900722 (VCV003900722.1).